The following is an entry in ClinVar:

ClinVar aggregate classification (germline): Likely benign. Review status: criteria provided, single submitter (1 of 4 stars). 2 submissions from 1 submitter: Likely benign (2). Last evaluated 2018-01-12.

Conditions:
Otofaciocervical syndrome 1 (OTFCS). Identifiers: MedGen C3714941, MONDO:0024532, OMIM 166780.
Branchiootic syndrome 1 (BOS1). Also called: BO SYNDROME 1; BRANCHIOOTIC DYSPLASIA. Identifiers: MedGen C1865143, MONDO:0011258, OMIM 602588.

Allele frequency attached by ClinVar (database versions not stated): gnomAD 0.00003 and 0.00005; gnomAD exomes 0.00004 and 0.00005; TOPMed 0.00005; ExAC 0.00007; 1000 Genomes Project 30x 0.00016; 1000 Genomes Project 0.00020.
gnomAD v4.1: 71 of 1,614,136 alleles (0.0044%); highest among the groups gnomAD compares: East Asian, 0.047%; no homozygotes.

Submissions (2):

Illumina Laboratory Services, Illumina
Classification: Likely benign for Otofaciocervical syndrome 1. Last evaluated: 2018-01-12. Review status: criteria provided, single submitter. Criteria: ICSL Variant Classification Criteria 13 December 2019. Collection method: clinical testing. Allele origin: germline.
Comment: This variant was observed in the ICSL laboratory as part of a predisposition screen in an ostensibly healthy population. It had not been previously curated by ICSL or reported in the Human Gene Mutation Database (HGMD: prior to June 1st, 2018), and was therefore a candidate for classification through an automated scoring system. Utilizing variant allele frequency, disease prevalence and penetrance estimates, and inheritance mode, an automated score was calculated to assess if this variant is too frequent to cause the disease. Based on the score and internal cut-off values, a variant classified as likely benign is not then subjected to further curation. The score for this variant resulted in a classification of likely benign for this disease.

Illumina Laboratory Services, Illumina
Classification: Likely benign for Branchiootic syndrome. Last evaluated: 2018-01-12. Review status: criteria provided, single submitter. Criteria: ICSL Variant Classification Criteria 13 December 2019. Collection method: clinical testing. Allele origin: germline.
Comment: the same text as in the submission from Illumina Laboratory Services, Illumina above.

NM_000503.6(EYA1):c.743C>T (p.Thr248Met)

Gene: EYA1 (EYA transcriptional coactivator and phosphatase 1; minus strand). Cytogenetic location: 8q13.3.
Variant type: single nucleotide variant.
Coding change: c.743C>T on transcript NM_000503.6 (MANE Select); coding-DNA position 743, C replaced by T.
Protein change: p.Thr248Met; replaces threonine 248 with methionine.
Molecular consequence: missense variant.
Genome position (GRCh38, 1-based): chr8:71,299,130, G>A on the plus strand (C>T on the coding strand, the complement: EYA1 is on the minus strand). VCF-style: chr8-71299130-G-A. GRCh37 (hg19) VCF-style: chr8-72211365-G-A.
Other names: c.725C>T, p.Thr242Met (NM_001288574.2); c.377C>T, p.Thr126Met (NM_001288575.2); c.830C>T, p.Thr277Met (NM_001370333.1); c.743C>T, p.Thr248Met (NM_001370334.1, NM_001370335.1, NM_172058.4); c.812C>T, p.Thr271Met (NM_001370336.1); c.815C>T, p.Thr272Met (NM_172059.5); short protein forms T248M, T126M, T242M, T271M, T272M, T277M.
Identifiers: ClinVar variation 363656 (VCV000363656.5), dbSNP rs186736708, ClinGen allele CA4779675.
Genomic context (GRCh38, chr8:71,299,130, plus strand): 5'-TGGCTGGTGATGCCAGATGGCGGTTCTTGAAGCTGGTAAGTGGCATTGGTGGATGGTGTC[G>A]TTGGGCTGGTGTTGCTGCTGGTCATATAATGTGCTGGATACGGTGAGCTGTTATAATACT-3'
Protein context (NP_000494.2, residues 238-258): HYMTSSNTSP[Thr248Met]TPSTNATYQL